The following is an entry in ClinVar:

NM_001369268.1(ACAN):c.1270A>C (p.Ile424Leu)

Gene: ACAN (aggrecan; plus strand). Cytogenetic location: 15q26.1.
Variant type: single nucleotide variant.
Coding change: c.1270A>C on transcript NM_001369268.1 (MANE Select); coding-DNA position 1270, A replaced by C.
Protein change: p.Ile424Leu; replaces isoleucine 424 with leucine.
Molecular consequence: missense variant.
Genome position (GRCh38, 1-based): chr15:88,845,723, A>C. VCF-style: chr15-88845723-A-C. GRCh37 (hg19) VCF-style: chr15-89388954-A-C.
Other names: c.1270A>C, p.Ile424Leu (NM_001135.4, NM_001411096.1, NM_001411097.1 and 1 more transcripts); short protein forms I424L.
Identifiers: ClinVar variation 3694666 (VCV003694666.2).

ClinVar aggregate classification (germline): Uncertain significance (1 of 4 stars; one submission).

Submission:

Labcorp Genetics (formerly Invitae), Labcorp
Classification: Uncertain significance. Last evaluated: 2024-07-30. Review status: criteria provided, single submitter. Criteria: Invitae Variant Classification Sherloc (09022015). Collection method: clinical testing. Allele origin: germline.
Comment: This sequence change replaces isoleucine, which is neutral and non-polar, with leucine, which is neutral and non-polar, at codon 424 of the ACAN protein (p.Ile424Leu). This variant is not present in population databases (gnomAD no frequency). This variant has not been reported in the literature in individuals affected with ACAN-related conditions. Advanced modeling of protein sequence and biophysical properties (such as structural, functional, and spatial information, amino acid conservation, physicochemical variation, residue mobility, and thermodynamic stability) performed at Invitae indicates that this missense variant is not expected to disrupt ACAN protein function with a negative predictive value of 80%. In summary, the available evidence is currently insufficient to determine the role of this variant in disease. Therefore, it has been classified as a Variant of Uncertain Significance.